The following is an entry in ClinVar:

ClinVar aggregate classification (germline): Likely benign. Review status: criteria provided, multiple submitters, no conflicts (2 of 4 stars). 2 submissions from 2 submitters: Likely benign (2). Last evaluated 2025-08-01.

Allele frequency attached by ClinVar (database versions not stated): TOPMed 0.00001.
gnomAD v4.1: 7 of 1,612,814 alleles (0.00043%); highest among the groups gnomAD compares: Admixed American, 0.005%; no homozygotes.

Submissions (2):

CeGaT Center for Human Genetics Tuebingen
Classification: Likely benign. Last evaluated: 2025-08-01. Review status: criteria provided, single submitter. Criteria: CeGaT Center For Human Genetics Tuebingen Variant Classification Criteria Version 2. Collection method: clinical testing. Allele origin: germline. Affected: yes. Observed: 1 variant allele.
Comment: LARS2: BP4, BP7

Labcorp Genetics (formerly Invitae), Labcorp
Classification: Likely benign. Last evaluated: 2024-06-05. Review status: criteria provided, single submitter. Criteria: Invitae Variant Classification Sherloc (09022015). Collection method: clinical testing. Allele origin: germline.

NM_015340.4(LARS2):c.1476C>T (p.Gly492=)

Genes: LARS2 (leucyl-tRNA synthetase 2, mitochondrial; plus strand), LARS2-AS1 (LARS2 antisense RNA 1; minus strand). Cytogenetic location: 3p21.31.
Variant type: single nucleotide variant.
Coding change: c.1476C>T on transcript NM_015340.4 (MANE Select); coding-DNA position 1476, C replaced by T.
Protein change: p.Gly492=; no amino-acid change (glycine 492 retained).
Molecular consequence: synonymous variant.
Genome position (GRCh38, 1-based): chr3:45,491,753, C>T. VCF-style: chr3-45491753-C-T. GRCh37 (hg19) VCF-style: chr3-45533245-C-T.
Other names: c.1476C>T, p.Gly492= (NM_001368263.1).
Identifiers: ClinVar variation 1580924 (VCV001580924.16), dbSNP rs765972237, ClinGen allele CA2349610.